The following is an entry in ClinVar:

NM_022336.4(EDAR):c.*254C>T

Genes: EDAR (ectodysplasin A receptor; minus strand), RANBP2 (RAN binding protein 2; plus strand). Cytogenetic location: 2q13.
Variant type: single nucleotide variant.
Coding change: c.*254C>T on transcript NM_022336.4 (MANE Select); 254 bases downstream of the stop codon, C replaced by T.
Molecular consequence: 3 prime UTR variant.
Genome position (GRCh38, 1-based): chr2:108,896,653, G>A on the plus strand (C>T on the coding strand, the complement: EDAR is on the minus strand). VCF-style: chr2-108896653-G-A. GRCh37 (hg19) VCF-style: chr2-109513109-G-A.
Identifiers: ClinVar variation 893275 (VCV000893275.4), dbSNP rs148961371, ClinGen allele CA53464386.

ClinVar aggregate classification (germline): Benign (1 of 4 stars; one submission).

Conditions:
Hypohidrotic ectodermal dysplasia (HED). Identifiers: Orphanet 238468, MedGen C5848103, MONDO:0016535, HP:0007607.

Allele frequency attached by ClinVar (database versions not stated): gnomAD 0.00390 and 0.00400; 1000 Genomes Project 30x 0.00265; gnomAD exomes 0.00499; TOPMed 0.00301; 1000 Genomes Project 0.00300.
gnomAD v4.1: 2,416 of 518,068 alleles (0.47%); highest among the groups gnomAD compares: Non-Finnish European, 0.56%; 8 homozygotes.

Submission:

Illumina Laboratory Services, Illumina
Classification: Benign for Hypohidrotic ectodermal dysplasia. Last evaluated: 2018-01-13. Review status: criteria provided, single submitter. Criteria: ICSL Variant Classification Criteria 13 December 2019. Collection method: clinical testing. Allele origin: germline.
Comment: This variant was observed in the ICSL laboratory as part of a predisposition screen in an ostensibly healthy population. It had not been previously curated by ICSL or reported in the Human Gene Mutation Database (HGMD: prior to June 1st, 2018), and was therefore a candidate for classification through an automated scoring system. Utilizing variant allele frequency, disease prevalence and penetrance estimates, and inheritance mode, an automated score was calculated to assess if this variant is too frequent to cause the disease. Based on the score and internal cut-off values, a variant classified as benign is not then subjected to further curation. The score for this variant resulted in a classification of benign for this disease.